The following is an entry in ClinVar:

ClinVar aggregate classification (germline): Likely benign. Review status: criteria provided, single submitter (1 of 4 stars). 2 submissions from 2 submitters: Likely benign (1). 1 of the submissions does not count toward it. Last evaluated 2023-06-06.

Conditions:
ADCY3-related disorder. Also called: ADCY3-related condition.

Allele frequency attached by ClinVar (database versions not stated): gnomAD exomes below 0.00001; TOPMed below 0.00001; ExAC 0.00001; gnomAD 0.00001.
gnomAD v4.1: 4 of 1,614,068 alleles (0.00025%); highest among the groups gnomAD compares: East Asian, 0.0022%; no homozygotes.

Submissions (2):

Labcorp Genetics (formerly Invitae), Labcorp
Classification: Likely benign. Last evaluated: 2023-06-06. Review status: criteria provided, single submitter. Criteria: Invitae Variant Classification Sherloc (09022015). Collection method: clinical testing. Allele origin: germline.

PreventionGenetics, part of Exact Sciences
Classification: Likely benign for ADCY3-related condition. Last evaluated: 2023-05-16. Review status: no assertion criteria provided. Collection method: clinical testing. Allele origin: germline. Not counted in ClinVar's aggregate classification.
Comment: This variant is classified as likely benign based on ACMG/AMP sequence variant interpretation guidelines (Richards et al. 2015 PMID: 25741868, with internal and published modifications).

NM_004036.5(ADCY3):c.1815G>A (p.Lys605=)

Gene: ADCY3 (adenylate cyclase 3; minus strand). Cytogenetic location: 2p23.3.
Variant type: single nucleotide variant.
Coding change: c.1815G>A on transcript NM_004036.5 (MANE Select); coding-DNA position 1815, G replaced by A.
Protein change: p.Lys605=; no amino-acid change (lysine 605 retained).
Molecular consequence: synonymous variant.
Genome position (GRCh38, 1-based): chr2:24,834,637, C>T on the plus strand (G>A on the coding strand, the complement: ADCY3 is on the minus strand). VCF-style: chr2-24834637-C-T. GRCh37 (hg19) VCF-style: chr2-25057506-C-T.
Other names: c.1815G>A (NM_001320613.1); c.1815G>A, p.Lys605= (NM_001320613.2, NM_001377129.1, NM_001377130.1 and 1 more transcripts); c.1881G>A, p.Lys627= (NM_001377128.1); c.1092G>A, p.Lys364= (NM_001377131.1).
Identifiers: ClinVar variation 2986102 (VCV002986102.4), dbSNP rs749745642, ClinGen allele CA1553985.